The following is an entry in ClinVar:

ClinVar aggregate classification (germline): Benign (1 of 4 stars; one submission).

Allele frequency attached by ClinVar (database versions not stated): gnomAD 0.37491 and 0.37814; TOPMed 0.38512; 1000 Genomes Project 0.41094; 1000 Genomes Project 30x 0.41693.
gnomAD v4.1: 57,019 of 152,110 alleles (37%); highest among the groups gnomAD compares: African/African-American, 52%; 11,563 homozygotes.

Submission:

GeneDx
Classification: Benign. Last evaluated: 2018-06-14. Review status: criteria provided, single submitter. Criteria: GeneDx Variant Classification (06012015). Collection method: clinical testing. Allele origin: germline. Affected: yes.
Comment: This variant is considered likely benign or benign based on one or more of the following criteria: it is a conservative change, it occurs at a poorly conserved position in the protein, it is predicted to be benign by multiple in silico algorithms, and/or has population frequency not consistent with disease.

NM_001232.4(CASQ2):c.940-283A>G

Gene: CASQ2 (calsequestrin 2; minus strand). Cytogenetic location: 1p13.1.
Variant type: single nucleotide variant.
Coding change: c.940-283A>G on transcript NM_001232.4 (MANE Select); 283 bases into the intron before coding-DNA position 940, A replaced by G.
Molecular consequence: intron variant.
Genome position (GRCh38, 1-based): chr1:115,703,278, T>C on the plus strand (A>G on the coding strand, the complement: CASQ2 is on the minus strand). VCF-style: chr1-115703278-T-C. GRCh37 (hg19) VCF-style: chr1-116245899-T-C.
Identifiers: ClinVar variation 683295 (VCV000683295.1), dbSNP rs6675002, ClinGen allele CA15126113.